The following is an entry in ClinVar:

ClinVar aggregate classification (germline): Uncertain significance (1 of 4 stars; one submission).

Conditions:
Atrial fibrillation, familial, 7 (ATFB7). Identifiers: MedGen C2677106, MONDO:0012828, OMIM 612240.

Allele frequency attached by ClinVar (database versions not stated): gnomAD exomes below 0.00001.

Submission:

Labcorp Genetics (formerly Invitae), Labcorp
Classification: Uncertain significance for Atrial fibrillation, familial, 7. Last evaluated: 2023-12-14. Review status: criteria provided, single submitter. Criteria: Invitae Variant Classification Sherloc (09022015). Collection method: clinical testing. Allele origin: germline.
Comment: This sequence change affects the initiator methionine of the KCNA5 mRNA. The next in-frame methionine is located at codon 14. This variant is not present in population databases (gnomAD no frequency). This variant has not been reported in the literature in individuals affected with KCNA5-related conditions. Experimental studies and prediction algorithms are not available or were not evaluated, and the functional significance of this variant is currently unknown. In summary, the available evidence is currently insufficient to determine the role of this variant in disease. Therefore, it has been classified as a Variant of Uncertain Significance.

NM_002234.4(KCNA5):c.2T>C (p.Met1Thr)

Gene: KCNA5 (potassium voltage-gated channel subfamily A member 5; plus strand). Cytogenetic location: 12p13.32.
Variant type: single nucleotide variant.
Coding change: c.2T>C on transcript NM_002234.4 (MANE Select); coding-DNA position 2, T replaced by C.
Protein change: p.Met1Thr; changes the start codon (methionine 1).
Molecular consequence: missense variant, initiator codon variant.
Genome position (GRCh38, 1-based): chr12:5,044,149, T>C. VCF-style: chr12-5044149-T-C. GRCh37 (hg19) VCF-style: chr12-5153315-T-C.
Other names: short protein forms M1T.
Identifiers: ClinVar variation 2920095 (VCV002920095.3), dbSNP rs2497476654, ClinGen allele CA383461695.